The following is an entry in ClinVar:

NM_002633.3(PGM1):c.458C>T (p.Thr153Ile)

Gene: PGM1 (phosphoglucomutase 1; plus strand). Cytogenetic location: 1p31.3.
Variant type: single nucleotide variant.
Coding change: c.458C>T on transcript NM_002633.3 (MANE Select); coding-DNA position 458, C replaced by T.
Protein change: p.Thr153Ile; replaces threonine 153 with isoleucine.
Molecular consequence: missense variant. On other transcripts: 5 prime UTR variant (1).
Genome position (GRCh38, 1-based): chr1:63,629,990, C>T. VCF-style: chr1-63629990-C-T. GRCh37 (hg19) VCF-style: chr1-64095661-C-T.
Other names: c.512C>T, p.Thr171Ile (NM_001172818.1); c.-134C>T (NM_001172819.2); short protein forms T171I, T153I.
Identifiers: ClinVar variation 2374090 (VCV002374090.3), dbSNP rs748231449, ClinGen allele CA340646975.

ClinVar aggregate classification (germline): Uncertain significance. Review status: criteria provided, multiple submitters, no conflicts (2 of 4 stars). 2 submissions from 2 submitters: Uncertain significance (2). Last evaluated 2024-12-04.

Conditions:
Inborn genetic diseases. Identifiers: MedGen C0950123, MeSH D030342.

gnomAD v4.1: 1 of 1,613,980 alleles (0.000062%); highest among the groups gnomAD compares: African/African-American, 0.0013%; no homozygotes.

Submissions (2):

GeneDx
Classification: Uncertain significance. Last evaluated: 2024-12-04. Review status: criteria provided, single submitter. Criteria: GeneDx Variant Classification Process June 2021. Collection method: clinical testing. Allele origin: germline. Affected: yes.
Comment: Not observed at significant frequency in large population cohorts (gnomAD); In silico analysis supports that this missense variant has a deleterious effect on protein structure/function; Has not been previously published as pathogenic or benign to our knowledge

Ambry Genetics
Classification: Uncertain significance for Inborn genetic diseases. Last evaluated: 2021-09-16. Review status: criteria provided, single submitter. Criteria: Ambry Variant Classification Scheme 2023. Collection method: clinical testing. Allele origin: germline.